The following is an entry in ClinVar:

ClinVar aggregate classification (germline): Likely benign (1 of 4 stars; one submission).

Conditions:
NR4A2-related disorder. Also called: NR4A2-related condition.

Submission:

PreventionGenetics, part of Exact Sciences
Classification: Likely benign for NR4A2-related condition. Last evaluated: 2025-05-14. Review status: criteria provided, single submitter. Criteria: ACMG Guidelines, 2015. Collection method: clinical testing. Allele origin: germline.
Comment: This variant is classified as likely benign based on ACMG/AMP sequence variant interpretation guidelines (Richards et al. 2015 PMID: 25741868, with internal and published modifications).

NM_006186.4(NR4A2):c.81G>A (p.Ser27=)

Gene: NR4A2 (nuclear receptor subfamily 4 group A member 2; minus strand). Cytogenetic location: 2q24.1.
Variant type: single nucleotide variant.
Coding change: c.81G>A on transcript NM_006186.4 (MANE Select); coding-DNA position 81, G replaced by A.
Protein change: p.Ser27=; no amino-acid change (serine 27 retained).
Molecular consequence: synonymous variant. On other transcripts: intron variant (1).
Genome position (GRCh38, 1-based): chr2:156,330,106, C>T on the plus strand (G>A on the coding strand, the complement: NR4A2 is on the minus strand). VCF-style: chr2-156330106-C-T. GRCh37 (hg19) VCF-style: chr2-157186618-C-T.
Other names: c.-13-96G>A (NM_173173.3).
Identifiers: ClinVar variation 4981727 (VCV004981727.1).
Genomic context (GRCh38, chr2:156,330,106, plus strand): 5'-GGTGAGGTCCATGCTAAACTTGACAAACTCTGGAGTTAAGAAATCGGAGCTGTATTCTCC[C>T]GAAGAGTGGTAACTGTAGCTCTGAGAAGCGGGGCTGGCTCCTTGAGGCGAGGACCCATAC-3'
Protein context (NP_006177.1, residues 17-37): PASQSYSYHS[Ser27=]GEYSSDFLTP